The following is an entry in ClinVar:

ClinVar aggregate classification (germline): Uncertain significance. Review status: criteria provided, multiple submitters, no conflicts (2 of 4 stars). 2 submissions from 2 submitters: Uncertain significance (2). Last evaluated 2026-09-10.

Conditions:
Werner syndrome (WRN). Identifiers: Orphanet 902, MedGen C0043119, MONDO:0010196, OMIM 277700.
Inborn genetic diseases. Identifiers: MedGen C0950123, MeSH D030342.

Allele frequency attached by ClinVar (database versions not stated): gnomAD exomes below 0.00001.
gnomAD v4.1: 2 of 1,613,886 alleles (0.00012%); highest among the groups gnomAD compares: Non-Finnish European, 0.000085%; no homozygotes.

Submissions (2):

Ambry Genetics
Classification: Uncertain significance for Inborn genetic diseases. Last evaluated: 2026-09-10. Review status: criteria provided, single submitter. Criteria: Ambry Variant Classification Scheme 2023. Collection method: clinical testing. Allele origin: germline.

Labcorp Genetics (formerly Invitae), Labcorp
Classification: Uncertain significance for Werner syndrome. Last evaluated: 2022-07-22. Review status: criteria provided, single submitter. Criteria: Invitae Variant Classification Sherloc (09022015). Collection method: clinical testing. Allele origin: germline.
Comment: This sequence change replaces arginine, which is basic and polar, with isoleucine, which is neutral and non-polar, at codon 812 of the WRN protein (p.Arg812Ile). This variant is not present in population databases (gnomAD no frequency). This variant has not been reported in the literature in individuals affected with WRN-related conditions. ClinVar contains an entry for this variant (Variation ID: 528135). Algorithms developed to predict the effect of missense changes on protein structure and function are either unavailable or do not agree on the potential impact of this missense change (SIFT: "Not Available"; PolyPhen-2: "Probably Damaging"; Align-GVGD: "Not Available"). Algorithms developed to predict the effect of sequence changes on RNA splicing suggest that this variant is not likely to affect RNA splicing. In summary, the available evidence is currently insufficient to determine the role of this variant in disease. Therefore, it has been classified as a Variant of Uncertain Significance.

NM_000553.6(WRN):c.2435G>T (p.Arg812Ile)

Gene: WRN (WRN RecQ like helicase; plus strand). Cytogenetic location: 8p12.
Variant type: single nucleotide variant.
Coding change: c.2435G>T on transcript NM_000553.6 (MANE Select); coding-DNA position 2435, G replaced by T.
Protein change: p.Arg812Ile; replaces arginine 812 with isoleucine.
Molecular consequence: missense variant.
Genome position (GRCh38, 1-based): chr8:31,116,515, G>T. VCF-style: chr8-31116515-G-T. GRCh37 (hg19) VCF-style: chr8-30974031-G-T.
Other names: short protein forms R812I.
Identifiers: ClinVar variation 528135 (VCV000528135.7), dbSNP rs1554527801, ClinGen allele CA370914065.